The following is an entry in ClinVar:

ClinVar aggregate classification (germline): Likely benign (0 of 4 stars; one submission).

Conditions:
EDAR-related disorder. Also called: EDAR-related condition.

Allele frequency attached by ClinVar (database versions not stated): TOPMed 0.00001.
gnomAD v4.1: 8 of 1,614,192 alleles (0.0005%); highest among the groups gnomAD compares: South Asian, 0.0011%; no homozygotes.

Submission:

PreventionGenetics, part of Exact Sciences
Classification: Likely benign for EDAR-related condition. Last evaluated: 2019-11-12. Review status: no assertion criteria provided. Collection method: clinical testing. Allele origin: germline.
Comment: This variant is classified as likely benign based on ACMG/AMP sequence variant interpretation guidelines (Richards et al. 2015 PMID: 25741868, with internal and published modifications).

NM_022336.4(EDAR):c.381G>A (p.Pro127=)

Genes: EDAR (ectodysplasin A receptor; minus strand), RANBP2 (RAN binding protein 2; plus strand). Cytogenetic location: 2q13.
Variant type: single nucleotide variant.
Coding change: c.381G>A on transcript NM_022336.4 (MANE Select); coding-DNA position 381, G replaced by A.
Protein change: p.Pro127=; no amino-acid change (proline 127 retained).
Molecular consequence: synonymous variant.
Genome position (GRCh38, 1-based): chr2:108,923,429, C>T on the plus strand (G>A on the coding strand, the complement: EDAR is on the minus strand). VCF-style: chr2-108923429-C-T. GRCh37 (hg19) VCF-style: chr2-109539885-C-T.
Identifiers: ClinVar variation 3045385 (VCV003045385.2), dbSNP rs1231995132, ClinGen allele CA428086741.
Genomic context (GRCh38, chr2:108,923,429, plus strand): 5'-TTCCTTGGTGTTGGGGGGTGCCAGGAGGCAGGAGTAGCAGACCATGCCATAGATGTTCCT[C>T]GGTCTGTTCTCCAGCATGTAGTAGCTACGGGGGAGAGACAAGACAAAACAGAGACAGGTG-3'
Protein context (NP_071731.1, residues 117-137): LPGYYMLENR[Pro127=]RNIYGMVCYS